The following is an entry in ClinVar:

ClinVar aggregate classification (germline): Uncertain significance (1 of 4 stars; one submission).

gnomAD v4.1: 22 of 1,613,364 alleles (0.0014%); highest among the groups gnomAD compares: Non-Finnish European, 0.0019%; no homozygotes.

Submission:

Labcorp Genetics (formerly Invitae), Labcorp
Classification: Uncertain significance. Last evaluated: 2022-12-13. Review status: criteria provided, single submitter. Criteria: Invitae Variant Classification Sherloc (09022015). Collection method: clinical testing. Allele origin: germline.
Comment: This sequence change replaces aspartic acid, which is acidic and polar, with glutamic acid, which is acidic and polar, at codon 544 of the COMP protein (p.Asp544Glu). In summary, the available evidence is currently insufficient to determine the role of this variant in disease. Therefore, it has been classified as a Variant of Uncertain Significance. Algorithms developed to predict the effect of sequence changes on RNA splicing suggest that this variant may create or strengthen a splice site. Advanced modeling of protein sequence and biophysical properties (such as structural, functional, and spatial information, amino acid conservation, physicochemical variation, residue mobility, and thermodynamic stability) performed at Invitae indicates that this missense variant is not expected to disrupt COMP protein function. This variant has not been reported in the literature in individuals affected with COMP-related conditions. This variant is present in population databases (rs566112479, gnomAD 0.003%).

NM_000095.3(COMP):c.1632C>G (p.Asp544Glu)

Gene: COMP (cartilage oligomeric matrix protein; minus strand). Cytogenetic location: 19p13.11.
Variant type: single nucleotide variant.
Coding change: c.1632C>G on transcript NM_000095.3 (MANE Select); coding-DNA position 1632, C replaced by G.
Protein change: p.Asp544Glu; replaces aspartic acid 544 with glutamic acid.
Molecular consequence: missense variant.
Genome position (GRCh38, 1-based): chr19:18,785,709, G>C on the plus strand (C>G on the coding strand, the complement: COMP is on the minus strand). VCF-style: chr19-18785709-G-C. GRCh37 (hg19) VCF-style: chr19-18896519-G-C.
Other names: short protein forms D544E.
Identifiers: ClinVar variation 2992629 (VCV002992629.3), dbSNP rs566112479, ClinGen allele CA9316343.
Genomic context (GRCh38, chr19:18,785,709, plus strand): 5'-CCCCCACGTGGACCCCGCTCCCACCTGGTTGAGCACCACCCAGTTGGGGTCAATCTGCGC[G>C]TCACCCTCCGGGTCCAGCACGACTGTCTGGAAGGCCCTGAAGTCGGTGAGCGTGACTTCA-3'
Protein context (NP_000086.2, residues 534-554): FQTVVLDPEG[Asp544Glu]AQIDPNWVVL